The following is an entry in ClinVar:

ClinVar aggregate classification (germline): Uncertain significance. Review status: criteria provided, multiple submitters, no conflicts (2 of 4 stars). 2 submissions from 2 submitters: Uncertain significance (2). Last evaluated 2026-04-09.

Conditions:
Pancreatic adenocarcinoma. Identifiers: MedGen C0281361, MONDO:0006047, HP:0006725.

Allele frequency attached by ClinVar (database versions not stated): gnomAD exomes below 0.00001.
gnomAD v4.1: 1 of 1,443,286 alleles (0.000069%); highest among the groups gnomAD compares: Admixed American, 0.0028%; no homozygotes.

Submissions (2):

Ambry Genetics
Classification: Uncertain significance. Last evaluated: 2026-04-09. Review status: criteria provided, single submitter. Criteria: Ambry Variant Classification Scheme 2023. Collection method: clinical testing. Allele origin: germline.
Comment: The p.P65A variant (also known as c.193C>G), located in coding exon 1 of the PALLD gene, results from a C to G substitution at nucleotide position 193. The proline at codon 65 is replaced by alanine, an amino acid with highly similar properties. This amino acid position is conserved. In addition, this alteration is predicted to be tolerated by in silico analysis. Based on the available evidence, the clinical significance of this variant remains unclear.

Labcorp Genetics (formerly Invitae), Labcorp
Classification: Uncertain significance for Pancreatic adenocarcinoma. Last evaluated: 2021-08-06. Review status: criteria provided, single submitter. Criteria: Invitae Variant Classification Sherloc (09022015). Collection method: clinical testing. Allele origin: germline.
Comment: In summary, the available evidence is currently insufficient to determine the role of this variant in disease. Therefore, it has been classified as a Variant of Uncertain Significance. Algorithms developed to predict the effect of missense changes on protein structure and function are either unavailable or do not agree on the potential impact of this missense change (SIFT: "Deleterious"; PolyPhen-2: "Benign"; Align-GVGD: "Class C25"). This variant has not been reported in the literature in individuals affected with PALLD-related conditions. The frequency data for this variant in the population databases is considered unreliable, as metrics indicate insufficient coverage at this position in the ExAC database. This sequence change replaces proline with alanine at codon 65 of the PALLD protein (p.Pro65Ala). The proline residue is highly conserved and there is a small physicochemical difference between proline and alanine.

NM_001166108.2(PALLD):c.1965-12838C>G

Gene: PALLD (palladin, cytoskeletal associated protein; plus strand). Cytogenetic location: 4q32.3.
Variant type: single nucleotide variant.
Coding change: c.1965-12838C>G on transcript NM_001166108.2 (MANE Select); 12838 bases into the intron before coding-DNA position 1965, C replaced by G.
Molecular consequence: intron variant. On other transcripts: missense variant (1).
Genome position (GRCh38, 1-based): chr4:168,878,084, C>G. VCF-style: chr4-168878084-C-G. GRCh37 (hg19) VCF-style: chr4-169799235-C-G.
Other names: c.193C>G (NM_001166110.1); c.193C>G, p.Pro65Ala (NM_001166110.2); c.1965-12838C>G (NM_016081.4); c.819-12838C>G (NM_001166109.2); c.-157-12838C>G (NM_001367570.1, NM_001367568.1, NM_001367567.1 and 1 more transcripts); short protein forms P65A.
Identifiers: ClinVar variation 1388712 (VCV001388712.7), dbSNP rs1219099309, ClinGen allele CA358795471.